The following is an entry in ClinVar:

NM_198173.3(GRHL3):c.1430C>T (p.Ser477Leu)

Gene: GRHL3 (grainyhead like transcription factor 3; plus strand). Cytogenetic location: 1p36.11.
Variant type: single nucleotide variant.
Coding change: c.1430C>T on transcript NM_198173.3 (MANE Select); coding-DNA position 1430, C replaced by T.
Protein change: p.Ser477Leu; replaces serine 477 with leucine.
Molecular consequence: missense variant.
Genome position (GRCh38, 1-based): chr1:24,344,907, C>T. VCF-style: chr1-24344907-C-T. GRCh37 (hg19) VCF-style: chr1-24671397-C-T.
Other names: c.1292C>T, p.Ser431Leu (NM_001195010.2); c.1445C>T, p.Ser482Leu (NM_021180.4); c.1430C>T, p.Ser477Leu (NM_198174.3); c.1430C>T (NM_198173.2); short protein forms S431L, S477L, S482L.
Identifiers: ClinVar variation 1611093 (VCV001611093.10), dbSNP rs114518869, ClinGen allele CA690222.

ClinVar aggregate classification (germline): Benign. Review status: criteria provided, multiple submitters, no conflicts (2 of 4 stars). 3 submissions from 3 submitters: Benign (3). Last evaluated 2025-08-04.

Conditions:
GRHL3-related disorder. Also called: GRHL3-related condition.
Van der Woude syndrome 2 (VWS2). Identifiers: Orphanet 888, MedGen C1847604, MONDO:0011712, OMIM 606713.

Allele frequency attached by ClinVar (database versions not stated): gnomAD exomes 0.00039 and 0.00115; ExAC 0.00146; gnomAD 0.00401 and 0.00431; TOPMed 0.00446; 1000 Genomes Project 0.00459; ESP Exome Variant Server 0.00507; 1000 Genomes Project 30x 0.00515.
gnomAD v4.1: 1,217 of 1,613,628 alleles (0.075%); highest among the groups gnomAD compares: African/African-American, 1.4%; 8 homozygotes.

Submissions (3):

Labcorp Genetics (formerly Invitae), Labcorp
Classification: Benign for Van der Woude syndrome 2. Last evaluated: 2025-08-04. Review status: criteria provided, single submitter. Criteria: Invitae Variant Classification Sherloc (09022015). Collection method: clinical testing. Allele origin: germline.

PreventionGenetics, part of Exact Sciences
Classification: Benign for GRHL3-related condition. Last evaluated: 2025-06-27. Review status: criteria provided, single submitter. Criteria: ACMG Guidelines, 2015. Collection method: clinical testing. Allele origin: germline.
Comment: This variant is classified as benign based on ACMG/AMP sequence variant interpretation guidelines (Richards et al. 2015 PMID: 25741868, with internal and published modifications).

Breakthrough Genomics
Classification: Benign. Review status: criteria provided, single submitter. Criteria: ACMG Guidelines, 2015. Collection method: not provided. Allele origin: germline. Inheritance: Autosomal dominant inheritance. Affected: yes.